The following is an entry in ClinVar:

ClinVar aggregate classification (germline): Pathogenic. Review status: reviewed by expert panel (3 of 4 stars). 10 submissions from 9 submitters: Pathogenic (1). 9 of the submissions do not count toward it. Last evaluated 2024-08-13.

Conditions:
Von Willebrand disease type 2A. Identifiers: Orphanet 166084, MedGen C1282968, MONDO:0015628. Inheritance: Autosomal recessive or autosomal dominant.
von Willebrand disease type 1 (VWD1). Also called: VWD, TYPE 1; VON WILLEBRAND DISEASE, TYPE I. Identifiers: Orphanet 166078, Orphanet 903, MedGen C1264039, MONDO:0008668, OMIM 193400. Inheritance: autosomal recessive or autosomal dominant.
Hereditary von Willebrand disease. Identifiers: Orphanet 903, MedGen C5703318, MONDO:0019565. Inheritance: Autosomal recessive or Autosomal dominant.
von Willebrand disease type 2 (VWD2). Also called: VWD, TYPE 2; VON WILLEBRAND DISEASE, TYPE 2A/IIE; VON WILLEBRAND DISEASE, TYPE 2CB; VON WILLEBRAND DISEASE, TYPE II. Identifiers: Orphanet 166081, Orphanet 903, MedGen C1264040, MONDO:0013304, OMIM 613554.

Allele frequency attached by ClinVar (database versions not stated): gnomAD exomes below 0.00001.
gnomAD v4.1: 1 of 543,518 alleles (0.00018%); highest among the groups gnomAD compares: African/African-American, 0.0026%; no homozygotes.

Submissions (10):

ClinGen von Willebrand Disease Variant Curation Expert Panel, ClinGen
Classification: Pathogenic for Von Willebrand disease type 2A. Last evaluated: 2024-08-13. Review status: reviewed by expert panel. Criteria: ClinGen VWD 2A B M Rules. Collection method: curation. Allele origin: germline. Inheritance: Autosomal dominant inheritance.
Comment: The NM_000552.4(VWF):c.3437A>G (p.Tyr1146Cys) missense variant has been reported in at least 22 VWD type 2A patients. The Grpmax filtering allele frequency in gnomAD v4.1 is 0 (based on 1/37812 alleles in the African/African-American population), which is lower than the ClinGen VWD VCEP threshold of<0.0001 (PM2_Supporting). The computational predictor REVEL gives a score of 0.872, which is above the ClinGen VWD VCEP threshold of >0.644 and predicts a damaging effect on VWF function (PP3). At least 1 patient with this variant displayed excessive mucocutaneous bleeding as well as a laboratory phenotypes of low VWF activity (VWF:RCo 16, VWF:CB 7) and VWF:Ag of 20 for a low VWF:CB activity/VWF:Ag ratio of 0.35, which is specific for VWD type 2A. (PP4; PMID: 24598842). Eight additional VWD 2A patients, with confirmatory lab values including very low VWF:RCo, low VWF:GPIb, and or low VWF activity/ VWF:Ag ratio, have been reported (PMIDs: 22871923, 16985174, 35452508, 20351307; PS4_VeryStrong). Multimer analysis in 293 cells expressing recombinant variant VWF showed reduced high molecular weight multimers indicating that this variant has a damaging effect on protein function (PMID: 20351307 Figure 3, PMID: 27533707 Figure 2; PS3). In summary, this variant meets the criteria to be classified as pathogenic for autosomal dominant VWD type 2A based on the ACMG/AMP criteria applied, as specified by the ClinGen VWD VCEP: PS4_VeryStrong, PS3, PM2_supporting, PP3, PP4.

Center for Genomic Medicine, Rigshospitalet, Copenhagen University Hospital
Classification: Pathogenic. Last evaluated: 2025-12-29. Review status: criteria provided, single submitter. Criteria: ACMG Guidelines, 2015. Collection method: clinical testing. Allele origin: germline. Not counted in ClinVar's aggregate classification.
Comment: Classification criteria: PS4_VeryStrong, PS3, PM2_supporting, PP3, PP4

Women's Health and Genetics/Laboratory Corporation of America, LabCorp
Classification: Pathogenic for von Willebrand disorder. Last evaluated: 2022-05-25. Review status: criteria provided, single submitter. Criteria: LabCorp Variant Classification Summary - May 2015. Collection method: clinical testing. Allele origin: germline. Not counted in ClinVar's aggregate classification.
Comment: Variant summary: VWF c.3437A>G (p.Tyr1146Cys) results in a non-conservative amino acid change located in the Trypsin Inhibitor-like, cysteine rich domain (IPR002919) of the encoded protein sequence. Five of five in-silico tools predict a damaging effect of the variant on protein function. The variant was absent in 54460 control chromosomes. c.3437A>G has been reported in the literature in multiple individuals affected with Type I and Type II Von Willebrand Disease (example, Goodeve_2007, Castaman_2008, James_2007, Schneppenheim_2010, Manderstedt_2018, Fidalgo_2016). These data indicate that the variant is very likely to be associated with disease. Multiple publications report experimental evidence evaluating an impact on protein function. The most pronounced variant effect results in inhibition of normal processing, string formation and platelet binding (Brehm_2014), defective intracellular packaging and markedly reduced VWF secretion. Loss of HMW Multimers. Demonstrated a novel FVIII binding defect (White-Adams_2016) and reduced expression (Schneppenheim_2010). One clinical diagnostic laboratory and the NIHR Bioresource Rare Diseases have submitted clinical-significance assessments for this variant to ClinVar after 2014. Both submitters classified the variant as pathogenic. Based on the evidence outlined above, the variant was classified as pathogenic.

Laboratory of Hematology, Radboud University Medical Center
Classification: Pathogenic for von Willebrand disease type 1. Last evaluated: 2020-12-10. Review status: criteria provided, single submitter. Criteria: ACMG Guidelines, 2015. Collection method: research. Allele origin: germline. Affected: yes. Observed: 2 variant alleles. Study: WIN study. Not counted in ClinVar's aggregate classification.

Laboratory of Hematology, Radboud University Medical Center
Classification: Pathogenic for von Willebrand disease type 2. Last evaluated: 2020-12-10. Review status: criteria provided, single submitter. Criteria: ACMG Guidelines, 2015. Collection method: research. Allele origin: germline. Affected: yes. Observed: 1 variant allele. Study: WIN study. Not counted in ClinVar's aggregate classification.

Quest Diagnostics Nichols Institute San Juan Capistrano
Classification: Pathogenic. Last evaluated: 2020-09-25. Review status: criteria provided, single submitter. Criteria: Quest Diagnostics criteria. Collection method: clinical testing. Allele origin: unknown. Not counted in ClinVar's aggregate classification.
Comment: The variant has been reported as a relatively common variant in Type 2A vWD and some Type 1 vWD patients the published literature (PMID: 16985174 (2007), 17190853 (2007), 20351307 (2010), 22871923 (2012), 26986123 (2016), 26988807 (2016), 29388750 (2018), 29742318 (2018), 31249928 (2018), 31064749 (2019)). Functional studies showed that this variant caused defective intracellular packaging, reduced VWF secretion, and a FVIII binding defect as well as loss of large multimers and decreased proteolysis (PMID: 18230755 (2008), 20351307 (2010), 24598842 (2014), 27533707 (2016)). Therefore, the variant is classified as pathogenic.

NIHR Bioresource Rare Diseases, University of Cambridge
Classification: Pathogenic for von Willebrand disorder. Last evaluated: 2019-02-01. Review status: criteria provided, single submitter. Criteria: ACMG Guidelines, 2015. Collection method: research. Allele origin: unknown. Affected: yes. Observed: 1 heterozygote. Study: ThromboGenomics. Not counted in ClinVar's aggregate classification.

Angelo Bianchi Bonomi Hemophilia and Thrombosis Center, Fondazione IRCCS Ca Granda Ospedale Maggiore Policlinico
Classification: Pathogenic for von Willebrand disease type 2. Last evaluated: 2022-04-26. Review status: no assertion criteria provided. Collection method: clinical testing. Allele origin: germline. Affected: yes. Not counted in ClinVar's aggregate classification.

OMIM
Classification: Pathogenic for VON WILLEBRAND DISEASE, TYPE 2A/IIE. Last evaluated: 2010-06-10. Review status: no assertion criteria provided. Collection method: literature only. Allele origin: germline. Not counted in ClinVar's aggregate classification.

Academic Unit of Haematology, University of Sheffield
No classification provided. Review status: no classification provided. Collection method: not provided. Allele origin: not provided. Not counted in ClinVar's aggregate classification.

Literature cited by the submitters: PubMed 20301765 (cited by Center for Genomic Medicine, Rigshospitalet, Copenhagen University Hospital); PubMed 27913546 (cited by Center for Genomic Medicine, Rigshospitalet, Copenhagen University Hospital); PubMed 26986123 (cited by Center for Genomic Medicine, Rigshospitalet, Copenhagen University Hospital and Quest Diagnostics Nichols Institute San Juan Capistrano); PubMed 24598842 (cited by 3 submitters); PubMed 27533707 (cited by 3 submitters); PubMed 16985174 (cited by Women's Health and Genetics/Laboratory Corporation of America, LabCorp and Quest Diagnostics Nichols Institute San Juan Capistrano); PubMed 18230755 (cited by Women's Health and Genetics/Laboratory Corporation of America, LabCorp and Quest Diagnostics Nichols Institute San Juan Capistrano); PubMed 26988807 (cited by Women's Health and Genetics/Laboratory Corporation of America, LabCorp and Quest Diagnostics Nichols Institute San Juan Capistrano); PubMed 17190853 (cited by Women's Health and Genetics/Laboratory Corporation of America, LabCorp and Quest Diagnostics Nichols Institute San Juan Capistrano); PubMed 31249928 (cited by Women's Health and Genetics/Laboratory Corporation of America, LabCorp and Quest Diagnostics Nichols Institute San Juan Capistrano); PubMed 20351307 (cited by 3 submitters); PubMed 31064749 (cited by Quest Diagnostics Nichols Institute San Juan Capistrano and NIHR Bioresource Rare Diseases, University of Cambridge); PubMed 22871923 (cited by Quest Diagnostics Nichols Institute San Juan Capistrano); PubMed 29742318 (cited by Quest Diagnostics Nichols Institute San Juan Capistrano); PubMed 21534937 (cited by Quest Diagnostics Nichols Institute San Juan Capistrano); PubMed 18315556 (cited by Quest Diagnostics Nichols Institute San Juan Capistrano); PubMed 29388750 (cited by Quest Diagnostics Nichols Institute San Juan Capistrano).

NM_000552.5(VWF):c.3437A>G (p.Tyr1146Cys)

Gene: VWF (von Willebrand factor; minus strand). Cytogenetic location: 12p13.31.
Variant type: single nucleotide variant.
Coding change: c.3437A>G on transcript NM_000552.5 (MANE Select); coding-DNA position 3437, A replaced by G.
Protein change: p.Tyr1146Cys; replaces tyrosine 1146 with cysteine.
Molecular consequence: missense variant.
Genome position (GRCh38, 1-based): chr12:6,022,841, T>C on the plus strand (A>G on the coding strand, the complement: VWF is on the minus strand). VCF-style: chr12-6022841-T-C. GRCh37 (hg19) VCF-style: chr12-6132007-T-C.
Other names: p.Y1146C; NM_000552.4(VWF):c.3437A>G; p.Tyr1146Cys; short protein forms Y1146C.
Identifiers: ClinVar variation 31009 (VCV000031009.10), dbSNP rs267607326, ClinGen allele CA228408.